The following is an entry in ClinVar:

NM_001376.5(DYNC1H1):c.851C>T (p.Ala284Val)

Gene: DYNC1H1 (dynein cytoplasmic 1 heavy chain 1; plus strand). Cytogenetic location: 14q32.31.
Variant type: single nucleotide variant.
Coding change: c.851C>T on transcript NM_001376.5 (MANE Select); coding-DNA position 851, C replaced by T.
Protein change: p.Ala284Val; replaces alanine 284 with valine.
Molecular consequence: missense variant.
Genome position (GRCh38, 1-based): chr14:101,980,440, C>T. VCF-style: chr14-101980440-C-T. GRCh37 (hg19) VCF-style: chr14-102446777-C-T.
Other names: short protein forms A284V.
Identifiers: ClinVar variation 574649 (VCV000574649.13), dbSNP rs774677904, ClinGen allele CA7351598.
Genomic context (GRCh38, chr14:101,980,440, plus strand): 5'-GAGATCCTGCATCAGGAACTGCCTTACAGGAAATTAGTTTTTGGCTAAACTTGGAACGTG[C>T]GTTATACCGCATCCAGGAGAAACGGGAGAGCCCGGAAGTTCTCCTGACTCTGGATATCTT-3'
Protein context (NP_001367.2, residues 274-294): EISFWLNLER[Ala284Val]LYRIQEKRES

ClinVar aggregate classification (germline): Uncertain significance. Review status: criteria provided, multiple submitters, no conflicts (2 of 4 stars). 3 submissions from 3 submitters: Uncertain significance (3). Last evaluated 2024-05-17.

Conditions:
Inborn genetic diseases. Identifiers: MedGen C0950123, MeSH D030342.
Charcot-Marie-Tooth disease axonal type 2O. Also called: CHARCOT-MARIE-TOOTH NEUROPATHY, AXONAL, TYPE 2O; CHARCOT-MARIE-TOOTH DISEASE, AXONAL, AUTOSOMAL DOMINANT, TYPE 2O; Charcot-Marie-Tooth disease, axonal, type 20; Charcot-Marie-Tooth Neuropathy Type 2O. Identifiers: Orphanet 284232, MedGen C3280220, MONDO:0013644, OMIM 614228.

Allele frequency attached by ClinVar (database versions not stated): gnomAD exomes 0.00001; ExAC 0.00002; gnomAD 0.00003; TOPMed 0.00003.
gnomAD v4.1: 25 of 1,614,100 alleles (0.0015%); highest among the groups gnomAD compares: Middle Eastern, 0.016%; no homozygotes.

Submissions (3):

Labcorp Genetics (formerly Invitae), Labcorp
Classification: Uncertain significance for Charcot-Marie-Tooth disease axonal type 2O. Last evaluated: 2024-05-17. Review status: criteria provided, single submitter. Criteria: Invitae Variant Classification Sherloc (09022015). Collection method: clinical testing. Allele origin: germline.
Comment: This sequence change replaces alanine, which is neutral and non-polar, with valine, which is neutral and non-polar, at codon 284 of the DYNC1H1 protein (p.Ala284Val). This variant is present in population databases (rs774677904, gnomAD 0.007%). This variant has not been reported in the literature in individuals affected with DYNC1H1-related conditions. ClinVar contains an entry for this variant (Variation ID: 574649). Advanced modeling of protein sequence and biophysical properties (such as structural, functional, and spatial information, amino acid conservation, physicochemical variation, residue mobility, and thermodynamic stability) performed at Invitae indicates that this missense variant is expected to disrupt DYNC1H1 protein function with a positive predictive value of 95%. In summary, the available evidence is currently insufficient to determine the role of this variant in disease. Therefore, it has been classified as a Variant of Uncertain Significance.

GeneDx
Classification: Uncertain significance. Last evaluated: 2024-02-06. Review status: criteria provided, single submitter. Criteria: GeneDx Variant Classification Process June 2021. Collection method: clinical testing. Allele origin: germline. Affected: yes.
Comment: In silico analysis supports that this missense variant has a deleterious effect on protein structure/function; Has not been previously published as pathogenic or benign to our knowledge; This variant is associated with the following publications: (PMID: 25512093, 25609763, 26100331)

Ambry Genetics
Classification: Uncertain significance for Inborn genetic diseases. Last evaluated: 2020-01-17. Review status: criteria provided, single submitter. Criteria: Ambry Variant Classification Scheme 2023. Collection method: clinical testing. Allele origin: germline.
Comment: The p.A284V variant (also known as c.851C>T), located in coding exon 5 of the DYNC1H1 gene, results from a C to T substitution at nucleotide position 851. The alanine at codon 284 is replaced by valine, an amino acid with similar properties. This amino acid position is highly conserved in available vertebrate species. In addition, the in silico prediction for this alteration is inconclusive. Since supporting evidence is limited at this time, the clinical significance of this alteration remains unclear.